The following is an entry in ClinVar:

ClinVar aggregate classification (germline): Uncertain significance. Review status: criteria provided, multiple submitters, no conflicts (2 of 4 stars). 2 submissions from 2 submitters: Uncertain significance (2). Last evaluated 2024-04-09.

Conditions:
Glioma susceptibility 1 (GLM1). Also called: Glioblastoma, somatic. Identifiers: MedGen C2750850, MONDO:0024498, OMIM 137800.
Gastric cancer. Also called: Malignant tumor of stomach; Stomach cancer. Identifiers: MedGen C0024623, MeSH D013274, MONDO:0001056, OMIM 613659, HP:0012126.
Ovarian cancer. Also called: OVARIAN CANCER, SOMATIC. Identifiers: Orphanet 213500, MedGen C1140680, MONDO:0008170, OMIM 167000.
Lung cancer. Also called: Lung cancer, somatic; Malignant tumor of lung. Identifiers: MedGen C0242379, MONDO:0008903, OMIM 211980.
Visceral neuropathy, familial, 2, autosomal recessive. Identifiers: MedGen C5561950, MONDO:0030399, OMIM 619465.

Allele frequency attached by ClinVar (database versions not stated): gnomAD 0.00001; TOPMed 0.00001; gnomAD exomes 0.00002 and 0.00003; ExAC 0.00004.
gnomAD v4.1: 12 of 1,595,914 alleles (0.00075%); highest among the groups gnomAD compares: Non-Finnish European, 0.001%; no homozygotes.

Submissions (2):

Fulgent Genetics
Classification: Uncertain significance for Glioma susceptibility 1; Ovarian cancer; Lung cancer; Gastric cancer; Visceral neuropathy, familial, 2, autosomal recessive. Last evaluated: 2024-04-09. Review status: criteria provided, single submitter. Criteria: ACMG Guidelines, 2015. Collection method: clinical testing. Allele origin: germline.

Labcorp Genetics (formerly Invitae), Labcorp
Classification: Uncertain significance. Last evaluated: 2023-11-17. Review status: criteria provided, single submitter. Criteria: Invitae Variant Classification Sherloc (09022015). Collection method: clinical testing. Allele origin: germline.
Comment: This sequence change replaces threonine, which is neutral and polar, with alanine, which is neutral and non-polar, at codon 67 of the ERBB2 protein (p.Thr67Ala). This variant is present in population databases (rs778575008, gnomAD 0.007%). This variant has not been reported in the literature in individuals affected with ERBB2-related conditions. ClinVar contains an entry for this variant (Variation ID: 1496387). Advanced modeling of protein sequence and biophysical properties (such as structural, functional, and spatial information, amino acid conservation, physicochemical variation, residue mobility, and thermodynamic stability) performed at Invitae indicates that this missense variant is not expected to disrupt ERBB2 protein function with a negative predictive value of 80%. In summary, the available evidence is currently insufficient to determine the role of this variant in disease. Therefore, it has been classified as a Variant of Uncertain Significance.

NM_004448.4(ERBB2):c.199A>G (p.Thr67Ala)

Gene: ERBB2 (erb-b2 receptor tyrosine kinase 2; plus strand). Cytogenetic location: 17q12.
Variant type: single nucleotide variant.
Coding change: c.199A>G on transcript NM_004448.4 (MANE Select); coding-DNA position 199, A replaced by G.
Protein change: p.Thr67Ala; replaces threonine 67 with alanine.
Molecular consequence: missense variant. On other transcripts: non-coding transcript variant (1), intron variant (1).
Genome position (GRCh38, 1-based): chr17:39,707,115, A>G. VCF-style: chr17-39707115-A-G. GRCh37 (hg19) VCF-style: chr17-37863368-A-G.
Other names: c.109A>G, p.Thr37Ala (NM_001005862.3, NM_001289938.2, NM_001382782.1 and 1 more transcripts); c.154A>G, p.Thr52Ala (NM_001289936.2); c.199A>G, p.Thr67Ala (NM_001289937.2, NM_001382784.1, NM_001382785.1 and 20 more transcripts); c.74-4813A>G (NM_001382804.1); short protein forms T37A, T52A, T67A.
Identifiers: ClinVar variation 1496387 (VCV001496387.7), dbSNP rs778575008, ClinGen allele CA8533547.